The following is an entry in ClinVar:

ClinVar aggregate classification (germline): Uncertain significance (1 of 4 stars; one submission).

Allele frequency attached by ClinVar (database versions not stated): gnomAD exomes below 0.00001; gnomAD 0.00001.
gnomAD v4.1: 9 of 1,614,060 alleles (0.00056%); highest among the groups gnomAD compares: Admixed American, 0.0017%; no homozygotes.

Submission:

Labcorp Genetics (formerly Invitae), Labcorp
Classification: Uncertain significance. Last evaluated: 2025-10-21. Review status: criteria provided, single submitter. Criteria: Invitae Variant Classification Sherloc (09022015). Collection method: clinical testing. Allele origin: germline.
Comment: This sequence change replaces glutamic acid, which is acidic and polar, with lysine, which is basic and polar, at codon 473 of the ERCC3 protein (p.Glu473Lys). This variant is not present in population databases (gnomAD no frequency). This variant has not been reported in the literature in individuals affected with ERCC3-related conditions. ClinVar contains an entry for this variant (Variation ID: 1507561). Invitae Evidence Modeling of protein sequence and biophysical properties (such as structural, functional, and spatial information, amino acid conservation, physicochemical variation, residue mobility, and thermodynamic stability) indicates that this missense variant is expected to disrupt ERCC3 protein function with a positive predictive value of 80%. In summary, the available evidence is currently insufficient to determine the role of this variant in disease. Therefore, it has been classified as a Variant of Uncertain Significance.

NM_000122.2(ERCC3):c.1417G>A (p.Glu473Lys)

Gene: ERCC3 (ERCC excision repair 3, TFIIH core complex helicase subunit; minus strand). Cytogenetic location: 2q14.3.
Variant type: single nucleotide variant.
Coding change: c.1417G>A on transcript NM_000122.2 (MANE Select); coding-DNA position 1417, G replaced by A.
Protein change: p.Glu473Lys; replaces glutamic acid 473 with lysine.
Molecular consequence: missense variant.
Genome position (GRCh38, 1-based): chr2:127,280,557, C>T on the plus strand (G>A on the coding strand, the complement: ERCC3 is on the minus strand). VCF-style: chr2-127280557-C-T. GRCh37 (hg19) VCF-style: chr2-128038133-C-T.
Other names: c.1225G>A, p.Glu409Lys (NM_001303416.2, NM_001303418.2); short protein forms E473K, E409K.
Identifiers: ClinVar variation 1507561 (VCV001507561.8), dbSNP rs1369244363, ClinGen allele CA348389294.
Genomic context (GRCh38, chr2:127,280,557, plus strand): 5'-AGTTGGCTTCGTAGAGCTTAGGCCCAATCAGAAAATTTAAATCCACAATTTTGTCATCTT[C>T]GCGGACGAGGGTCGCAGTCAAACCCAGCTTACAGTGGGCCTGCACGATGGTGAGCACCCT-3'
Protein context (NP_000113.1, residues 463-483): KLGLTATLVR[Glu473Lys]DDKIVDLNFL